The following is an entry in ClinVar:

GRCh38/hg38 17p12(chr17:14170219-15510549)x3

Genes: CDRT15 (CMT1A duplicated region transcript 15; minus strand), CDRT3 (CMT1A duplicated region transcript 3; minus strand), CDRT4 (CMT1A duplicated region transcript 4; minus strand), CDRT7 (CMT1A duplicated region transcript 7; plus strand), CDRT8 (CMT1A duplicated region transcript 8; minus strand) and 21 more. Cytogenetic location: 17p12.
Variant type: copy number gain.
Change: copy number 3 (three copies instead of two) of chr17:14,170,219-15,510,549 (1.34 Mb, GRCh38 coordinates, 1-based), cytogenetic band 17p12.
Identifiers: ClinVar variation 4796289 (VCV004796289.1).

ClinVar aggregate classification (germline): Pathogenic (1 of 4 stars; one submission).

Submission:

Medical Genetic Center, Changzhi Maternal and Child Health Care Hospital
Classification: Pathogenic. Last evaluated: 2025-12-10. Review status: criteria provided, single submitter. Criteria: ACMG/ClinGen CNV Guidelines, 2019. Collection method: clinical testing. Allele origin: unknown.
Comment: 2A:17p12 recurrent (HNPP/CMT1A) region (includes PMP22)